The following is an entry in ClinVar:

ClinVar aggregate classification (germline): Uncertain significance (1 of 4 stars; one submission).

gnomAD v4.1: 6 of 1,614,048 alleles (0.00037%); highest among the groups gnomAD compares: Non-Finnish European, 0.00034%; no homozygotes.

Submission:

Ambry Genetics
Classification: Uncertain significance. Last evaluated: 2026-06-15. Review status: criteria provided, single submitter. Criteria: Ambry Variant Classification Scheme 2023. Collection method: clinical testing. Allele origin: germline.
Comment: The p.E511D variant (also known as c.1533G>C), located in coding exon 2 of the CDK12 gene, results from a G to C substitution at nucleotide position 1533. The glutamic acid at codon 511 is replaced by aspartic acid, an amino acid with highly similar properties. This amino acid position is conserved. In addition, this alteration is predicted to be tolerated by in silico analysis. Based on the available evidence, the clinical significance of this variant remains unclear.

NM_016507.4(CDK12):c.1533G>C (p.Glu511Asp)

Gene: CDK12 (cyclin dependent kinase 12; plus strand). Cytogenetic location: 17q12.
Variant type: single nucleotide variant.
Coding change: c.1533G>C on transcript NM_016507.4 (MANE Select); coding-DNA position 1533, G replaced by C.
Protein change: p.Glu511Asp; replaces glutamic acid 511 with aspartic acid.
Molecular consequence: missense variant.
Genome position (GRCh38, 1-based): chr17:39,471,365, G>C. VCF-style: chr17-39471365-G-C. GRCh37 (hg19) VCF-style: chr17-37627618-G-C.
Other names: c.1533G>C, p.Glu511Asp (NM_015083.4); short protein forms E511D.
Identifiers: ClinVar variation 5034046 (VCV005034046.1).